The following is an entry in ClinVar:

NM_000755.5(CRAT):c.1336G>A (p.Gly446Arg)

Gene: CRAT (carnitine O-acetyltransferase; minus strand). Cytogenetic location: 9q34.11.
Variant type: single nucleotide variant.
Coding change: c.1336G>A on transcript NM_000755.5 (MANE Select); coding-DNA position 1336, G replaced by A.
Protein change: p.Gly446Arg; replaces glycine 446 with arginine.
Molecular consequence: missense variant.
Genome position (GRCh38, 1-based): chr9:129,098,141, C>T on the plus strand (G>A on the coding strand, the complement: CRAT is on the minus strand). VCF-style: chr9-129098141-C-T. GRCh37 (hg19) VCF-style: chr9-131860420-C-T.
Other names: c.1273G>A, p.Gly425Arg (NM_001257363.3, NM_001346548.2, NM_004003.4); c.1339G>A, p.Gly447Arg (NM_001346546.2); c.1336G>A, p.Gly446Arg (NM_001346547.2); c.1216G>A, p.Gly406Arg (NM_001346549.2); short protein forms G406R, G446R, G447R, G425R.
Identifiers: ClinVar variation 4781226 (VCV004781226.1).

ClinVar aggregate classification (germline): Uncertain significance (1 of 4 stars; one submission).

gnomAD v4.1: 27 of 1,613,662 alleles (0.0017%); highest among the groups gnomAD compares: Middle Eastern, 0.016%; no homozygotes.

Submission:

Labcorp Genetics (formerly Invitae), Labcorp
Classification: Uncertain significance. Last evaluated: 2026-01-23. Review status: criteria provided, single submitter. Criteria: Invitae Variant Classification Sherloc (09022015). Collection method: clinical testing. Allele origin: germline.
Comment: This sequence change replaces glycine, which is neutral and non-polar, with arginine, which is basic and polar, at codon 446 of the CRAT protein (p.Gly446Arg). This variant is present in population databases (no rsID available, gnomAD no frequency). This variant has not been reported in the literature in individuals affected with CRAT-related conditions. Invitae Evidence Modeling of protein sequence and biophysical properties (such as structural, functional, and spatial information, amino acid conservation, physicochemical variation, residue mobility, and thermodynamic stability) indicates that this missense variant is not expected to disrupt CRAT protein function with a negative predictive value of 80%. Algorithms developed to predict the effect of sequence changes on RNA splicing suggest that this variant may create or strengthen a splice site. In summary, the available evidence is currently insufficient to determine the role of this variant in disease. Therefore, it has been classified as a Variant of Uncertain Significance.